The following is an entry in ClinVar:

ClinVar aggregate classification (germline): Pathogenic (1 of 4 stars; one submission).

Conditions:
Achondrogenesis, type IB (ACG1B). Also called: Achondrogenesis Type 1B. Identifiers: Orphanet 932, Orphanet 93298, MedGen C0265274, MONDO:0010966, OMIM 600972.
Diastrophic dysplasia (DTD). Also called: Diastrophic dwarfism. Identifiers: Orphanet 628, MedGen C0220726, MONDO:0009107, OMIM 222600.
Multiple epiphyseal dysplasia type 4 (EDM4). Also called: Multiple Epiphyseal Dysplasia, Recessive; MULTIPLE EPIPHYSEAL DYSPLASIA WITH BILAYERED PATELLAE; MULTIPLE EPIPHYSEAL DYSPLASIA WITH CLUBFOOT; MULTIPLE EPIPHYSEAL DYSPLASIA, AUTOSOMAL RECESSIVE; SLC26A2-Related Multiple Epiphyseal Dysplasia. Identifiers: Orphanet 93307, MedGen C1847593, MONDO:0009189, OMIM 226900.
Atelosteogenesis type II (AO2). Also called: NEONATAL OSSEOUS DYSPLASIA I; Neonatal osseous dysplasia 1; SLC26A2-Related Atelosteogenesis. Identifiers: Orphanet 56304, MedGen C1850554, MONDO:0009727, OMIM 256050.

Submission:

Labcorp Genetics (formerly Invitae), Labcorp
Classification: Pathogenic for Atelosteogenesis type II; Multiple epiphyseal dysplasia type 4; Achondrogenesis, type IB; Diastrophic dysplasia. Last evaluated: 2023-06-11. Review status: criteria provided, single submitter. Criteria: Invitae Variant Classification Sherloc (09022015). Collection method: clinical testing. Allele origin: germline.
Comment: For these reasons, this variant has been classified as Pathogenic. This variant has not been reported in the literature in individuals affected with SLC26A2-related conditions. This variant is not present in population databases (gnomAD no frequency). This sequence change creates a premature translational stop signal (p.Ser81Valfs*8) in the SLC26A2 gene. It is expected to result in an absent or disrupted protein product. Loss-of-function variants in SLC26A2 are known to be pathogenic (PMID: 7923357, 10482955, 11241838).

Literature cited by the submitters: PubMed 7923357; PubMed 10482955; PubMed 11241838.

NM_000112.4(SLC26A2):c.241del (p.Ser81fs)

Gene: SLC26A2 (solute carrier family 26 member 2; plus strand). Cytogenetic location: 5q32.
Variant type: Deletion.
Coding change: c.241del on transcript NM_000112.4 (MANE Select); coding-DNA position 241, one base deleted (A; older notation c.241delA).
Protein change: p.Ser81fs; shifts the reading frame from serine 81.
Molecular consequence: frameshift variant.
Genome position (GRCh38, 1-based): chr5:149,977,893, A deleted. VCF-style (leftmost placement, unchanged base first): chr5-149977892-CA-C. GRCh37 (hg19) VCF-style: chr5-149357455-CA-C.
Other names: short protein forms S81fs.
Identifiers: ClinVar variation 2937372 (VCV002937372.3), dbSNP rs2480770517, ClinGen allele CA2740094129.